The following is an entry in ClinVar:

ClinVar aggregate classification (germline): Uncertain significance. Review status: criteria provided, multiple submitters, no conflicts (2 of 4 stars). 2 submissions from 2 submitters: Uncertain significance (2). Last evaluated 2025-08-08.

Conditions:
Inborn genetic diseases. Identifiers: MedGen C0950123, MeSH D030342.

Allele frequency attached by ClinVar (database versions not stated): gnomAD 0.00006; gnomAD exomes 0.00008.
gnomAD v4.1: 131 of 1,610,270 alleles (0.0081%); highest among the groups gnomAD compares: Middle Eastern, 0.05%; no homozygotes.

Submissions (2):

Ambry Genetics
Classification: Uncertain significance for Inborn genetic diseases. Last evaluated: 2025-08-08. Review status: criteria provided, single submitter. Criteria: Ambry Variant Classification Scheme 2023. Collection method: clinical testing. Allele origin: germline.

Labcorp Genetics (formerly Invitae), Labcorp
Classification: Uncertain significance. Last evaluated: 2022-10-12. Review status: criteria provided, single submitter. Criteria: Invitae Variant Classification Sherloc (09022015). Collection method: clinical testing. Allele origin: germline.
Comment: This sequence change replaces lysine, which is basic and polar, with methionine, which is neutral and non-polar, at codon 55 of the RASGRP2 protein (p.Lys55Met). This variant is present in population databases (rs749896674, gnomAD 0.07%). This variant has not been reported in the literature in individuals affected with RASGRP2-related conditions. Advanced modeling of protein sequence and biophysical properties (such as structural, functional, and spatial information, amino acid conservation, physicochemical variation, residue mobility, and thermodynamic stability) has been performed at Invitae for this missense variant, however the output from this modeling did not meet the statistical confidence thresholds required to predict the impact of this variant on RASGRP2 protein function. In summary, the available evidence is currently insufficient to determine the role of this variant in disease. Therefore, it has been classified as a Variant of Uncertain Significance.

NM_001098671.2(RASGRP2):c.164A>T (p.Lys55Met)

Gene: RASGRP2 (RAS guanyl releasing protein 2; minus strand). Cytogenetic location: 11q13.1.
Variant type: single nucleotide variant.
Coding change: c.164A>T on transcript NM_001098671.2 (MANE Select); coding-DNA position 164, A replaced by T.
Protein change: p.Lys55Met; replaces lysine 55 with methionine.
Molecular consequence: missense variant. On other transcripts: 5 prime UTR variant (1).
Genome position (GRCh38, 1-based): chr11:64,742,022, T>A on the plus strand (A>T on the coding strand, the complement: RASGRP2 is on the minus strand). VCF-style: chr11-64742022-T-A. GRCh37 (hg19) VCF-style: chr11-64509494-T-A.
Other names: c.164A>T, p.Lys55Met (NM_001098670.2, NM_153819.2); c.-272A>T (NM_001318398.2); short protein forms K55M.
Identifiers: ClinVar variation 2059615 (VCV002059615.3), dbSNP rs749896674, ClinGen allele CA6079367.
Genomic context (GRCh38, chr11:64,742,022, plus strand): 5'-CGCATGGGCTCCGACGGCGGGGGCCTTGGCAAGGCCGGCGAAGGATATATGTGGAGCAGC[T>A]TGGCCGCCAGCTGAGAGGAGGGGATGTACCAGGGGTGCATCATGAGGAACATGCGCACCA-3'
Protein context (NP_001092141.1, residues 45-65): WYIPSSQLAA[Lys55Met]LLHIYQQSRK